The following is an entry in ClinVar:

NM_006118.4(HAX1):c.445G>A (p.Ala149Thr)

Gene: HAX1 (HCLS1 associated protein X-1; plus strand). Cytogenetic location: 1q21.3.
Variant type: single nucleotide variant.
Coding change: c.445G>A on transcript NM_006118.4 (MANE Select); coding-DNA position 445, G replaced by A.
Protein change: p.Ala149Thr; replaces alanine 149 with threonine.
Molecular consequence: missense variant.
Genome position (GRCh38, 1-based): chr1:154,273,902, G>A. VCF-style: chr1-154273902-G-A. GRCh37 (hg19) VCF-style: chr1-154246378-G-A.
Other names: c.301G>A, p.Ala101Thr (NM_001018837.2); short protein forms A149T, A101T.
Identifiers: ClinVar variation 3856904 (VCV003856904.1).

ClinVar aggregate classification (germline): Uncertain significance (1 of 4 stars; one submission).

Conditions:
Inborn genetic diseases. Identifiers: MedGen C0950123, MeSH D030342.

Submission:

Ambry Genetics
Classification: Uncertain significance for Inborn genetic diseases. Last evaluated: 2025-03-07. Review status: criteria provided, single submitter. Criteria: Ambry Variant Classification Scheme 2023. Collection method: clinical testing. Allele origin: germline.
Comment: The p.A149T variant (also known as c.445G>A), located in coding exon 3 of the HAX1 gene, results from a G to A substitution at nucleotide position 445. The alanine at codon 149 is replaced by threonine, an amino acid with similar properties. This amino acid position is conserved. In addition, this alteration is predicted to be tolerated by in silico analysis. Based on the available evidence, the clinical significance of this variant remains unclear.